The following is an entry in ClinVar:

NM_021076.4(NEFH):c.2209_2214del (p.Lys737_Ser738del)

Gene: NEFH (neurofilament heavy chain; plus strand). Cytogenetic location: 22q12.2.
Variant type: Deletion.
Coding change: c.2209_2214del on transcript NM_021076.4 (MANE Select); coding-DNA positions 2209 to 2214, 6 bases deleted (AAGTCC; older notation c.2209_2214delAAGTCC).
Protein change: p.Lys737_Ser738del.
Molecular consequence: inframe deletion.
Genome position (GRCh38, 1-based): chr22:29,489,849-29,489,854, AAGTCC deleted; deleting any 6 consecutive bases within chr22:29,489,847-29,489,854 gives the same sequence; the c. name uses the placement nearest the transcript's 3' end. VCF-style (leftmost placement, unchanged base first): chr22-29489846-GCCAAGT-G. GRCh37 (hg19) VCF-style: chr22-29885835-GCCAAGT-G.
Identifiers: ClinVar variation 1937632 (VCV001937632.5), dbSNP rs1209331595, ClinGen allele CA752235566.

ClinVar aggregate classification (germline): Uncertain significance (1 of 4 stars; one submission).

Submission:

Labcorp Genetics (formerly Invitae), Labcorp
Classification: Uncertain significance. Last evaluated: 2022-02-21. Review status: criteria provided, single submitter. Criteria: Invitae Variant Classification Sherloc (09022015). Collection method: clinical testing. Allele origin: germline.
Comment: Experimental studies and prediction algorithms are not available or were not evaluated, and the functional significance of this variant is currently unknown. This variant has not been reported in the literature in individuals affected with NEFH-related conditions. This variant is not present in population databases (gnomAD no frequency). This variant, c.2209_2214del, results in the deletion of 2 amino acid(s) of the NEFH protein (p.Lys737_Ser738del), but otherwise preserves the integrity of the reading frame. In summary, the available evidence is currently insufficient to determine the role of this variant in disease. Therefore, it has been classified as a Variant of Uncertain Significance.